The following is an entry in ClinVar:

ClinVar aggregate classification (germline): Uncertain significance (1 of 4 stars; one submission).

Submission:

Dasa
Classification: Uncertain significance. Last evaluated: 2026-04-20. Review status: criteria provided, single submitter. Criteria: DASA Assertion Criteria. Collection method: clinical testing. Allele origin: germline.
Comment: NM_181552.4(CUX1):c.4213C>A (p.Pro1405Thr) is a missense variant that results in the substitution of proline with threonine. This variant is rare in population databases. Computational prediction algorithms are consistent with a benign effect. The currently available literature and clinical evidence are not sufficient to establish a definitive association between this variant and the reported condition. Therefore, this variant is classified as a variant of uncertain significance.

NM_181552.4(CUX1):c.4213C>A (p.Pro1405Thr)

Gene: CUX1 (cut like homeobox 1; plus strand). Cytogenetic location: 7q22.1.
Variant type: single nucleotide variant.
Coding change: c.4213C>A on transcript NM_181552.4 (MANE Select); coding-DNA position 4213, C replaced by A.
Protein change: p.Pro1405Thr; replaces proline 1405 with threonine.
Molecular consequence: missense variant. On other transcripts: intron variant (5).
Genome position (GRCh38, 1-based): chr7:102,248,737, C>A. VCF-style: chr7-102248737-C-A. GRCh37 (hg19) VCF-style: chr7-101892017-C-A.
Other names: c.4246C>A, p.Pro1416Thr (NM_001202543.2); c.1256-24629C>A (NM_001913.5); c.1250-24629C>A (NM_181500.4); c.1118-24629C>A (NM_001202545.3); c.1208-24629C>A (NM_001202544.3); c.1139-24629C>A (NM_001202546.3); short protein forms P1405T, P1416T.
Identifiers: ClinVar variation 4885006 (VCV004885006.2).
Genomic context (GRCh38, chr7:102,248,737, plus strand): 5'-GACGCCCGCGACGACGACCACGAGGGAGGCCCCGTGGAAGGCCCGGGGCCCCTGCCCAGC[C>A]CCGCCTCCGCGACCGCCACCGCCGCGCCCGCGGCCCCCGAGGACGCCGCTACCTCAGCCG-3'
Protein context (NP_853530.2, residues 1395-1415): PVEGPGPLPS[Pro1405Thr]ASATATAAPA